The following is an entry in ClinVar:

NM_001365276.2(TNXB):c.5966G>A (p.Arg1989His)

Gene: TNXB (tenascin XB; minus strand). Cytogenetic location: 6p21.33.
Variant type: single nucleotide variant.
Coding change: c.5966G>A on transcript NM_001365276.2 (MANE Select); coding-DNA position 5966, G replaced by A.
Protein change: p.Arg1989His; replaces arginine 1989 with histidine.
Molecular consequence: missense variant.
Genome position (GRCh38, 1-based): chr6:32,068,644, C>T on the plus strand (G>A on the coding strand, the complement: TNXB is on the minus strand). VCF-style: chr6-32068644-C-T. GRCh37 (hg19) VCF-style: chr6-32036421-C-T.
Other names: c.5966G>A, p.Arg1989His (NM_019105.8); short protein forms R1989H.
Identifiers: ClinVar variation 2574860 (VCV002574860.2), dbSNP rs754160588, ClinGen allele CA3734561.
Genomic context (GRCh38, chr6:32,068,644, plus strand): 5'-ACTGTCCAGGACAGGCTGAGGGAGTCAGGGGTGGCATCTGTCACGGTCAGCTCCCCCAGG[C>T]GAGGCTTGATGGGGGGCTCGGGGGTTGCGGTGGGAGGTTCTGAAGGCTTCTCCTCCTCCG-3'
Protein context (NP_001352205.1, residues 1979-1999): TATPEPPIKP[Arg1989His]LGELTVTDAT

ClinVar aggregate classification (germline): Uncertain significance. Review status: criteria provided, multiple submitters, no conflicts (2 of 4 stars). 2 submissions from 2 submitters: Uncertain significance (2). Last evaluated 2023-02-02.

Allele frequency attached by ClinVar (database versions not stated): TOPMed 0.00003; gnomAD exomes 0.00004; gnomAD 0.00005; ExAC 0.00009.
gnomAD v4.1: 69 of 1,613,658 alleles (0.0043%); highest among the groups gnomAD compares: South Asian, 0.034%; no homozygotes.

Submissions (2):

GeneDx
Classification: Uncertain significance. Last evaluated: 2023-02-02. Review status: criteria provided, single submitter. Criteria: GeneDx Variant Classification Process June 2021. Collection method: clinical testing. Allele origin: germline. Affected: yes.
Comment: Has not been previously published as pathogenic or benign to our knowledge; In silico analysis supports that this missense variant does not alter protein structure/function

Breakthrough Genomics
Classification: Uncertain significance. Review status: criteria provided, single submitter. Criteria: ACMG Guidelines, 2015. Collection method: not provided. Allele origin: germline. Inheritance: Autosomal recessive inheritance. Affected: yes.